The following is an entry in ClinVar:

ClinVar aggregate classification (germline): Uncertain significance. Review status: criteria provided, multiple submitters, no conflicts (2 of 4 stars). 3 submissions from 3 submitters: Uncertain significance (3). Last evaluated 2025-02-13.

Conditions:
FG syndrome (FGS). Identifiers: MedGen C0220769, MONDO:0002010.
Blepharophimosis - intellectual disability syndrome, MKB type. Also called: X-Linked Ohdo Syndrome (XLOS); BLEPHAROPHIMOSIS-MENTAL RETARDATION SYNDROME, MAAT-KIEVIT-BRUNNER TYPE; Ohdo syndrome, X-linked. Identifiers: Orphanet 293707, MedGen C3698541, MONDO:0010477, OMIM 300895.

Submissions (3):

Labcorp Genetics (formerly Invitae), Labcorp
Classification: Uncertain significance for FG syndrome. Last evaluated: 2025-02-13. Review status: criteria provided, single submitter. Criteria: Invitae Variant Classification Sherloc (09022015). Collection method: clinical testing. Allele origin: germline.
Comment: This sequence change replaces arginine, which is basic and polar, with glutamine, which is neutral and polar, at codon 1722 of the MED12 protein (p.Arg1722Gln). This variant is not present in population databases (gnomAD no frequency). This variant has not been reported in the literature in individuals affected with MED12-related conditions. ClinVar contains an entry for this variant (Variation ID: 2584656). Invitae Evidence Modeling of protein sequence and biophysical properties (such as structural, functional, and spatial information, amino acid conservation, physicochemical variation, residue mobility, and thermodynamic stability) has been performed for this missense variant. However, the output from this modeling did not meet the statistical confidence thresholds required to predict the impact of this variant on MED12 protein function. In summary, the available evidence is currently insufficient to determine the role of this variant in disease. Therefore, it has been classified as a Variant of Uncertain Significance.

GeneDx
Classification: Uncertain significance. Last evaluated: 2024-12-06. Review status: criteria provided, single submitter. Criteria: GeneDx Variant Classification Process June 2021. Collection method: clinical testing. Allele origin: germline. Affected: yes.
Comment: Not observed at significant frequency in large population cohorts (gnomAD); In silico analysis indicates that this missense variant does not alter protein structure/function; Has not been previously published as pathogenic or benign to our knowledge

Institute of Human Genetics, University Hospital of Duesseldorf
Classification: Uncertain significance for Blepharophimosis - intellectual disability syndrome, MKB type. Review status: criteria provided, single submitter. Criteria: ACMG Guidelines, 2015. Collection method: not provided. Allele origin: germline. Inheritance: X-linked recessive inheritance. Affected: yes.

NM_005120.3(MED12):c.5165G>A (p.Arg1722Gln)

Gene: MED12 (mediator complex subunit 12; plus strand). Cytogenetic location: Xq13.1.
Variant type: single nucleotide variant.
Coding change: c.5165G>A on transcript NM_005120.3 (MANE Select); coding-DNA position 5165, G replaced by A.
Protein change: p.Arg1722Gln; replaces arginine 1722 with glutamine.
Molecular consequence: missense variant.
Genome position (GRCh38, 1-based): chrX:71,136,420, G>A. VCF-style: chrX-71136420-G-A. GRCh37 (hg19) VCF-style: chrX-70356270-G-A.
Other names: c.5165G>A (NM_005120.2); short protein forms R1722Q.
Identifiers: ClinVar variation 2584656 (VCV002584656.3), dbSNP rs2147826230, ClinGen allele CA413534308.